The following is an entry in ClinVar:

NM_001148.6(ANK2):c.7265G>A (p.Ser2422Asn)

Genes: ANK2 (ankyrin 2; plus strand), LOC126807137 (CDK7 strongly-dependent group 2 enhancer GRCh37_chr4:114276560-114277759; plus strand). Cytogenetic location: 4q26.
Variant type: single nucleotide variant.
Coding change: c.7265G>A on transcript NM_001148.6 (MANE Select); coding-DNA position 7265, G replaced by A.
Protein change: p.Ser2422Asn; replaces serine 2422 with asparagine.
Molecular consequence: missense variant. On other transcripts: intron variant (68).
Genome position (GRCh38, 1-based): chr4:113,355,883, G>A. VCF-style: chr4-113355883-G-A. GRCh37 (hg19) VCF-style: chr4-114277039-G-A.
Other names: c.4424-4940G>A (NM_001354246.2, NM_001354265.2, NM_001354235.2); c.4325-4940G>A (NM_001354236.2); c.4463-4940G>A (NM_001354232.2); c.4328-4940G>A (NM_001354228.2, NM_001354258.2); c.4265-4940G>A (NM_001354245.2, NM_001354262.2, NM_001354275.2); c.4229-4940G>A (NM_001354268.2); c.4127-4940G>A (NM_001354273.2); c.4427-4940G>A (NM_020977.5); and 35 more; short protein forms S1222N, S2344N, S2422N, S2461N, S2469N.
Identifiers: ClinVar variation 1188715 (VCV001188715.16), dbSNP rs140341680, ClinGen allele CA3051565.

ClinVar aggregate classification (germline): Conflicting classifications of pathogenicity. Review status: criteria provided, conflicting classifications (1 of 4 stars). 6 submissions from 6 submitters: Uncertain significance (3); Likely benign (3). Last evaluated 2025-12-24.

Conditions:
ANK2-related disorder. Also called: ANK2-related condition.
Cardiovascular phenotype. Identifiers: MedGen CN230736.
Long QT syndrome (LQTS). Identifiers: MedGen C0023976, MeSH D008133, MONDO:0002442. Disease mechanism: loss of function. Inheritance: Various modes of inheritance.
Cardiac arrhythmia, ankyrin-B-related. Also called: ANKYRIN-B SYNDROME. Identifiers: Orphanet 101016, Orphanet 768, MedGen C1970119, MONDO:0010958, OMIM 600919.

Allele frequency attached by ClinVar (database versions not stated): gnomAD exomes 0.00002 and 0.00005; ExAC 0.00006; gnomAD 0.00019; ESP Exome Variant Server 0.00023; TOPMed 0.00025; 1000 Genomes Project 30x 0.00047; 1000 Genomes Project 0.00060.
gnomAD v4.1: 59 of 1,614,104 alleles (0.0037%); highest among the groups gnomAD compares: African/African-American, 0.06%; no homozygotes.

Submissions (6):

Labcorp Genetics (formerly Invitae), Labcorp
Classification: Uncertain significance for Long QT syndrome. Last evaluated: 2025-12-24. Review status: criteria provided, single submitter. Criteria: Invitae Variant Classification Sherloc (09022015). Collection method: clinical testing. Allele origin: germline.
Comment: This sequence change replaces serine, which is neutral and polar, with asparagine, which is neutral and polar, at codon 2422 of the ANK2 protein (p.Ser2422Asn). This variant is present in population databases (rs140341680, gnomAD 0.05%), and has an allele count higher than expected for a pathogenic variant. This variant has not been reported in the literature in individuals affected with ANK2-related conditions. ClinVar contains an entry for this variant (Variation ID: 1188715). An algorithm developed to predict the effect of missense changes on protein structure and function (PolyPhen-2) suggests that this variant is likely to be disruptive. In summary, the available evidence is currently insufficient to determine the role of this variant in disease. Therefore, it has been classified as a Variant of Uncertain Significance.

GeneDx
Classification: Uncertain significance. Last evaluated: 2025-06-11. Review status: criteria provided, single submitter. Criteria: GeneDx Variant Classification Process June 2021. Collection method: clinical testing. Allele origin: germline. Affected: yes.
Comment: Has not been previously published as pathogenic or benign to our knowledge; In silico analysis suggests that this missense variant does not alter protein structure/function

Women's Health and Genetics/Laboratory Corporation of America, LabCorp
Classification: Likely benign. Last evaluated: 2025-03-24. Review status: criteria provided, single submitter. Criteria: LabCorp Variant Classification Summary - May 2015. Collection method: clinical testing. Allele origin: germline.

PreventionGenetics, part of Exact Sciences
Classification: Likely benign for ANK2-related condition. Last evaluated: 2024-12-13. Review status: criteria provided, single submitter. Criteria: ACMG Guidelines, 2015. Collection method: clinical testing. Allele origin: germline.
Comment: This variant is classified as likely benign based on ACMG/AMP sequence variant interpretation guidelines (Richards et al. 2015 PMID: 25741868, with internal and published modifications).

Ambry Genetics
Classification: Likely benign for Cardiovascular phenotype. Last evaluated: 2024-01-02. Review status: criteria provided, single submitter. Criteria: Ambry Variant Classification Scheme 2023. Collection method: clinical testing. Allele origin: germline.

Fulgent Genetics
Classification: Uncertain significance for Cardiac arrhythmia, ankyrin-B-related. Last evaluated: 2021-08-12. Review status: criteria provided, single submitter. Criteria: ACMG Guidelines, 2015. Collection method: clinical testing. Allele origin: unknown.